The following is an entry in ClinVar:

NM_000256.3(MYBPC3):c.649A>G (p.Ser217Gly)

Gene: MYBPC3 (myosin binding protein C3; minus strand). Cytogenetic location: 11p11.2.
Variant type: single nucleotide variant.
Coding change: c.649A>G on transcript NM_000256.3 (MANE Select); coding-DNA position 649, A replaced by G.
Protein change: p.Ser217Gly; replaces serine 217 with glycine.
Molecular consequence: missense variant.
Genome position (GRCh38, 1-based): chr11:47,349,779, T>C on the plus strand (A>G on the coding strand, the complement: MYBPC3 is on the minus strand). VCF-style: chr11-47349779-T-C. GRCh37 (hg19) VCF-style: chr11-47371330-T-C.
Other names: p.S217G:AGC>GGC; short protein forms S217G.
Identifiers: ClinVar variation 42780 (VCV000042780.67), dbSNP rs138753870, ClinGen allele CA015609.

ClinVar aggregate classification (germline): Conflicting classifications of pathogenicity. Review status: criteria provided, conflicting classifications (1 of 4 stars). 16 submissions from 15 submitters: Uncertain significance (1); Benign (9); Likely benign (4). 2 of the submissions do not count toward it. Last evaluated 2026-09-01.

Conditions:
Left ventricular noncompaction 10 (LVNC10). Identifiers: Orphanet 154, Orphanet 54260, MedGen C3715165, MONDO:0014163, OMIM 615396.
Cardiovascular phenotype. Identifiers: MedGen CN230736.
Cardiomyopathy (CMYO). Also called: Cardiomyopathies. Identifiers: Orphanet 167848, MedGen C0878544, MONDO:0004994, HP:0001638. Inheritance: Various modes of inheritance.
Long QT syndrome (LQTS). Identifiers: MedGen C0023976, MeSH D008133, MONDO:0002442. Disease mechanism: loss of function. Inheritance: Various modes of inheritance.
Hypertrophic cardiomyopathy 4. Also called: Familial hypertrophic cardiomyopathy 4. Identifiers: MedGen C1861862, MONDO:0007268, OMIM 115197.
Hypertrophic cardiomyopathy. Also called: HYPERTROPHIC MYOCARDIOPATHY. Identifiers: Orphanet 217569, MedGen C0007194, MeSH D002312, MONDO:0005045, HP:0001639.

Allele frequency attached by ClinVar (database versions not stated): gnomAD exomes 0.00110 and 0.00186; ESP Exome Variant Server 0.00096; 1000 Genomes Project 30x 0.00141; gnomAD 0.00076 and 0.00109; TOPMed 0.00079; 1000 Genomes Project 0.00180; ExAC 0.00227.
gnomAD v4.1: 1,755 of 1,605,074 alleles (0.11%); highest among the groups gnomAD compares: South Asian, 1.1%; 22 homozygotes.

Submissions (16):

CeGaT Center for Human Genetics Tuebingen
Classification: Benign. Last evaluated: 2026-09-01. Review status: criteria provided, single submitter. Criteria: CeGaT Center For Human Genetics Tuebingen Variant Classification Criteria Version 2. Collection method: clinical testing. Allele origin: germline. Affected: yes. Observed: 20 variant alleles.
Comment: MYBPC3: BP4, BS1, BS2

Labcorp Genetics (formerly Invitae), Labcorp
Classification: Benign for Hypertrophic cardiomyopathy. Last evaluated: 2026-01-28. Review status: criteria provided, single submitter. Criteria: Invitae Variant Classification Sherloc (09022015). Collection method: clinical testing. Allele origin: germline.

Blueprint Genetics
Classification: Likely benign. Last evaluated: 2024-11-19. Review status: criteria provided, single submitter. Criteria: ACMG Guidelines, 2015. Collection method: clinical testing. Allele origin: germline.

Dept of Medical Biology, Uskudar University
Classification: Benign for Long QT syndrome. Last evaluated: 2024-01-08. Review status: criteria provided, single submitter. Criteria: Dept of Medical Biology Variant Classification. Collection method: research. Allele origin: paternal. Affected: yes. Observed: 1 variant allele.
Comment: Criteria: BS1, BS2, PP3

GeneDx
Classification: Benign. Last evaluated: 2021-09-20. Review status: criteria provided, single submitter. Criteria: GeneDx Variant Classification Process June 2021. Collection method: clinical testing. Allele origin: germline. Affected: yes.
Comment: Reported in ClinVar as a benign and likely benign variant by other clinical laboratories (ClinVar Variant ID# 42780; Landrum et al., 2016); In silico analysis supports that this missense variant has a deleterious effect on protein structure/function; This variant is associated with the following publications: (PMID: 22763267, 19632136, 23299917, 22464770, 24503780, 25524337, 24119082, 22958901, 22361390, 21750094, 25351510, 26656175, 27650965, 27600940, 28416588, 29121657, 29032884)

Women's Health and Genetics/Laboratory Corporation of America, LabCorp
Classification: Benign. Last evaluated: 2019-11-26. Review status: criteria provided, single submitter. Criteria: LabCorp Variant Classification Summary - May 2015. Collection method: clinical testing. Allele origin: germline.
Comment: Variant summary: MYBPC3 c.649A>G (p.Ser217Gly) results in a non-conservative amino acid change located in the Immunoglobulin-like domain (IPR007110) of the encoded protein sequence. Three of five in-silico tools predict a damaging effect of the variant on protein function. The variant allele was found at a frequency of 0.0019 in 240264 control chromosomes, predominantly at a frequency of 0.011 within the South Asian subpopulation in the gnomAD database, including 4 homozygotes. The observed variant frequency within South Asian control individuals in the gnomAD database is approximately 10 fold of the estimated maximal expected allele frequency for a pathogenic variant in MYBPC3 causing Cardiomyopathy phenotype (0.001), strongly suggesting that the variant is a benign polymorphism found primarily in populations of South Asian origin. c.649A>G has been reported in the literature in individuals affected with affected with hypertrophic- or dilated cardiomyopathy, however without strong evidence for causality (e.g. Roberts_2009, Millat_2010, Ogorodnikova_2011, Mestroni_2010, Lakdawala_2012, Merlo_2013, Pugh_2014). These reports do not provide unequivocal conclusions about association of the variant with Cardiomyopathy. Additionally, Lakdawala_2012 reported that this variant did not segregate with the disease in one family. Seven ClinVar submitters (evaluation after 2014) cite the variant as benign (5x) and likely benign (2x). Based on the evidence outlined above, the variant was classified as benign.

Illumina Laboratory Services, Illumina
Classification: Benign for Left ventricular noncompaction 10. Last evaluated: 2018-06-04. Review status: criteria provided, single submitter. Criteria: ICSL Variant Classification Criteria 13 December 2019. Collection method: clinical testing. Allele origin: germline.
Comment: This variant was observed as part of a predisposition screen in an ostensibly healthy population. A literature search was performed for the gene, cDNA change, and amino acid change (where applicable). No publications were found based on this search. Allele frequency data from public databases was too high to be consistent with this variant causing disease. Therefore, this variant is classified as benign.

Illumina Laboratory Services, Illumina
Classification: Uncertain significance for Hypertrophic cardiomyopathy 4. Last evaluated: 2018-06-04. Review status: criteria provided, single submitter. Criteria: ICSL Variant Classification Criteria 13 December 2019. Collection method: clinical testing. Allele origin: germline.

Color Diagnostics, LLC DBA Color Health
Classification: Benign for Cardiomyopathy. Last evaluated: 2018-03-07. Review status: criteria provided, single submitter. Criteria: ACMG Guidelines, 2015. Collection method: clinical testing. Allele origin: germline.

Molecular Diagnostic Laboratory for Inherited Cardiovascular Disease, Montreal Heart Institute
Classification: Likely benign. Last evaluated: 2017-02-23. Review status: criteria provided, single submitter. Criteria: ACMG Guidelines, 2015. Collection method: clinical testing. Allele origin: germline. Affected: yes.

Ambry Genetics
Classification: Benign for Cardiovascular phenotype. Last evaluated: 2016-05-17. Review status: criteria provided, single submitter. Criteria: Ambry Variant Classification Scheme 2023. Collection method: clinical testing. Allele origin: germline.

Stanford Center for Inherited Cardiovascular Disease, Stanford University
Classification: Likely benign. Last evaluated: 2016-03-01. Review status: criteria provided, single submitter. Criteria: ACMG Guidelines, 2015. Collection method: provider interpretation. Allele origin: germline.

Laboratory for Molecular Medicine, Mass General Brigham Personalized Medicine
Classification: Benign. Last evaluated: 2015-05-20. Review status: criteria provided, single submitter. Criteria: LMM Criteria. Collection method: clinical testing. Allele origin: germline. Observed: 25 variant alleles.
Comment: p.Ser217Gly in exon 5 of MYBPC3: This variant is not expected to have clinical s ignificance because it has been identified in 1.2% (177/14558) of South Asian ch romosomes, including 4 homozygotes, by the Exome Aggregation Consortium (ExAC; dbSNP rs138753870).

Biesecker Lab/Clinical Genomics Section, National Institutes of Health
Classification: Likely benign. Last evaluated: 2013-06-24. Review status: criteria provided, single submitter. Criteria: Ng et al. (Circ Cardiovasc Genet. 2013). Collection method: research. Allele origin: unknown. Observed: 3 variant alleles. Study: ClinSeq.
Comment: The study set was not selected for affection status in relation to any cancer. Pathogenicity categories were based on literature curation. See Pubmed ID:23861362 for details.

Medical sequencing

Cohesion Phenomics
Classification: Benign for Hypertrophic cardiomyopathy. Last evaluated: 2022-10-10. Review status: no assertion criteria provided. Criteria: ACMG Guidelines, 2015. Collection method: clinical testing. Allele origin: germline. Affected: yes. Not counted in ClinVar's aggregate classification.

Zaffran Lab, Genetics of Cardiac Diseases Laboratory, Marseille Medical Genetics
Classification: Pathogenic for hypertrophic cardiomyopathy. Review status: no assertion criteria provided. Collection method: research. Allele origin: unknown. Affected: yes. Not counted in ClinVar's aggregate classification.

Literature cited by the submitters: PubMed 19632136 (cited by Women's Health and Genetics/Laboratory Corporation of America, LabCorp); PubMed 20800588 (cited by Women's Health and Genetics/Laboratory Corporation of America, LabCorp); PubMed 22361390 (cited by Women's Health and Genetics/Laboratory Corporation of America, LabCorp); PubMed 23299917 (cited by Women's Health and Genetics/Laboratory Corporation of America, LabCorp); PubMed 22763267 (cited by Women's Health and Genetics/Laboratory Corporation of America, LabCorp); PubMed 22958901 (cited by Women's Health and Genetics/Laboratory Corporation of America, LabCorp); PubMed 21750094 (cited by Women's Health and Genetics/Laboratory Corporation of America, LabCorp); PubMed 22464770 (cited by Women's Health and Genetics/Laboratory Corporation of America, LabCorp); PubMed 23861362 (cited by Women's Health and Genetics/Laboratory Corporation of America, LabCorp); PubMed 24503780 (cited by Women's Health and Genetics/Laboratory Corporation of America, LabCorp); PubMed 25524337 (cited by Women's Health and Genetics/Laboratory Corporation of America, LabCorp); PubMed 24119082 (cited by Women's Health and Genetics/Laboratory Corporation of America, LabCorp).